The following is an entry in ClinVar:

NM_003002.4(SDHD):c.-12C>T

Genes: SDHD (succinate dehydrogenase complex subunit D; plus strand), LOC126861339 (BRD4-independent group 4 enhancer GRCh37_chr11:111957035-111958234; plus strand). Cytogenetic location: 11q23.1.
Variant type: single nucleotide variant.
Coding change: c.-12C>T on transcript NM_003002.4 (MANE Select); 12 bases upstream of the start codon, C replaced by T.
Molecular consequence: 5 prime UTR variant. On other transcripts: non-coding transcript variant (1).
Genome position (GRCh38, 1-based): chr11:112,086,896, C>T. VCF-style: chr11-112086896-C-T. GRCh37 (hg19) VCF-style: chr11-111957620-C-T.
Other names: c.-12C>T (NM_001276503.2, NM_001276504.2, NM_001276506.2).
Identifiers: ClinVar variation 3385998 (VCV003385998.1).

ClinVar aggregate classification (germline): Likely benign (1 of 4 stars; one submission).

Conditions:
Hereditary pheochromocytoma and paraganglioma. Also called: Hereditary Paraganglioma-Pheochromocytoma Syndromes; Hereditary pheochromocytoma-paraganglioma; Hereditary paragangliomas and pheochromocytomas. Identifiers: Orphanet 29072, MedGen C4274332, MONDO:0017366.

gnomAD v4.1: 15 of 1,614,196 alleles (0.00093%); highest among the groups gnomAD compares: Admixed American, 0.0033%; no homozygotes.

Submission:

All of Us Research Program, National Institutes of Health
Classification: Likely benign for Hereditary pheochromocytoma and paraganglioma. Last evaluated: 2024-09-17. Review status: criteria provided, single submitter. Criteria: ACMG Guidelines, 2015. Collection method: clinical testing. Allele origin: germline. Inheritance: Autosomal dominant inheritance. Observed: 3 variant alleles, 3 heterozygotes.
Comment: This study involves interpretation of variants in research participants for the purpose of population health screening. Participant phenotype was not available at the time of variant classification. Additional details can be found in publication PMID: 35346344, PMCID: PMC8962531